The following is an entry in ClinVar:

ClinVar aggregate classification (germline): Likely pathogenic (1 of 4 stars; one submission).

Conditions:
Autosomal recessive limb-girdle muscular dystrophy type 2J (LGMDR10). Also called: Limb-girdle muscular dystrophy, type 2J; MUSCULAR DYSTROPHY, LIMB-GIRDLE, AUTOSOMAL RECESSIVE 10. Identifiers: Orphanet 140922, MedGen C1837342, MONDO:0012127, OMIM 608807.
Dilated cardiomyopathy 1G (CMD1G). Identifiers: Orphanet 154, MedGen C1858763, MONDO:0011400, OMIM 604145.

Submission:

Labcorp Genetics (formerly Invitae), Labcorp
Classification: Likely pathogenic for Dilated cardiomyopathy 1G; Autosomal recessive limb-girdle muscular dystrophy type 2J. Last evaluated: 2022-07-21. Review status: criteria provided, single submitter. Criteria: Invitae Variant Classification Sherloc (09022015). Collection method: clinical testing. Allele origin: germline.
Comment: In summary, the currently available evidence indicates that the variant is pathogenic, but additional data are needed to prove that conclusively. Therefore, this variant has been classified as Likely Pathogenic. This variant is located in the A band of TTN (PMID: 25589632). Truncating variants in this region are significantly overrepresented in patients affected with dilated cardiomyopathy (PMID: 25589632). Truncating variants in this region have also been reported in individuals affected with autosomal recessive centronuclear myopathy (PMID: 23975875). This variant has not been reported in the literature in individuals affected with TTN-related conditions. This variant is not present in population databases (gnomAD no frequency). This sequence change creates a premature translational stop signal (p.Trp29980Cysfs*15) in the TTN gene. While this is not anticipated to result in nonsense mediated decay, it is expected to create a truncated TTN protein.

Literature cited by the submitters: PubMed 25589632; PubMed 23975875.

NM_001267550.2(TTN):c.89940del (p.Trp29980fs)

Genes: TTN (titin; minus strand), TTN-AS1 (TTN antisense RNA 1; plus strand). Cytogenetic location: 2q31.2.
Variant type: Deletion.
Coding change: c.89940del on transcript NM_001267550.2 (MANE Select); coding-DNA position 89940, one base deleted (G; older notation c.89940delG).
Protein change: p.Trp29980fs; shifts the reading frame from tryptophan 29980.
Molecular consequence: frameshift variant.
Genome position (GRCh38, 1-based): chr2:178,552,960, C deleted on the plus strand (G on the coding strand, the reverse complement: TTN is on the minus strand); the first of 2 consecutive C bases (chr2:178,552,960-178,552,961); deleting either gives the same sequence. VCF-style (leftmost placement, unchanged base first): chr2-178552959-AC-A. GRCh37 (hg19) VCF-style: chr2-179417686-AC-A.
Other names: c.85017del, p.Trp28339fs (NM_001256850.1); c.62745del, p.Trp20915fs (NM_003319.4); c.82236del, p.Trp27412fs (NM_133378.4); c.63120del, p.Trp21040fs (NM_133432.3); c.63321del, p.Trp21107fs (NM_133437.4); short protein forms W21107fs, W27412fs, W21040fs, W28339fs, W29980fs, W20915fs.
Identifiers: ClinVar variation 2018496 (VCV002018496.4), dbSNP rs2469309035, ClinGen allele CA2580064625.